The following is an entry in ClinVar:

NM_024408.4(NOTCH2):c.1310A>G (p.Asp437Gly)

Gene: NOTCH2 (notch receptor 2; minus strand). Cytogenetic location: 1p12.
Variant type: single nucleotide variant.
Coding change: c.1310A>G on transcript NM_024408.4 (MANE Select); coding-DNA position 1310, A replaced by G.
Protein change: p.Asp437Gly; replaces aspartic acid 437 with glycine.
Molecular consequence: missense variant.
Genome position (GRCh38, 1-based): chr1:119,967,576, T>C on the plus strand (A>G on the coding strand, the complement: NOTCH2 is on the minus strand). VCF-style: chr1-119967576-T-C. GRCh37 (hg19) VCF-style: chr1-120510199-T-C.
Other names: c.1310A>G, p.Asp437Gly (NM_001200001.2); short protein forms D437G.
Identifiers: ClinVar variation 4822932 (VCV004822932.4).
Genomic context (GRCh38, chr1:119,967,576, plus strand): 5'-ATGTCCATCTCACAACGAGGTCCTGCATAACCCTTCAGACACTCACAGTGGAAGGCGCCA[T>C]CCGTGTTCACACATTTTCCTGCATGCTCACAAGGATTGCTATTGGCTGAAAGACACAAGT-3'
Protein context (NP_077719.2, residues 427-447): CEHAGKCVNT[Asp437Gly]GAFHCECLKG

ClinVar aggregate classification (germline): Uncertain significance (1 of 4 stars; one submission).

Submission:

CeGaT Center for Human Genetics Tuebingen
Classification: Uncertain significance. Last evaluated: 2026-01-01. Review status: criteria provided, single submitter. Criteria: CeGaT Center For Human Genetics Tuebingen Variant Classification Criteria Version 2. Collection method: clinical testing. Allele origin: germline. Affected: yes. Observed: 1 variant allele.
Comment: NOTCH2: PM2